The following is an entry in ClinVar:

NM_001370259.2(MEN1):c.1232C>T (p.Ala411Val)

Gene: MEN1 (menin 1; minus strand). Cytogenetic location: 11q13.1.
Variant type: single nucleotide variant.
Coding change: c.1232C>T on transcript NM_001370259.2 (MANE Select); coding-DNA position 1232, C replaced by T.
Protein change: p.Ala411Val; replaces alanine 411 with valine.
Molecular consequence: missense variant. On other transcripts: non-coding transcript variant (4), intron variant (1).
Genome position (GRCh38, 1-based): chr11:64,805,152, G>A on the plus strand (C>T on the coding strand, the complement: MEN1 is on the minus strand). VCF-style: chr11-64805152-G-A. GRCh37 (hg19) VCF-style: chr11-64572624-G-A.
Other names: c.1247C>T, p.Ala416Val (NM_000244.4, NM_001407145.1, NM_130800.3 and 4 more transcripts); c.1358C>T, p.Ala453Val (NM_001370251.2, NM_001407142.1, NM_001407143.1 and 1 more transcripts); c.1232C>T, p.Ala411Val (NM_001370260.2, NM_001370261.2, NM_001407146.1 and 2 more transcripts); c.1127C>T, p.Ala376Val (NM_001370262.2, NM_001370263.2, NM_001407148.1 and 1 more transcripts); c.1373C>T, p.Ala458Val (NM_001407150.1); c.1253C>T, p.Ala418Val (NM_001407151.1); c.1186-336C>T (NM_001407152.1); short protein forms A418V, A411V, A458V, A376V, A416V, A453V.
Identifiers: ClinVar variation 2998066 (VCV002998066.5), dbSNP rs2136102457, ClinGen allele CA381180624.
Genomic context (GRCh38, chr11:64,805,152, plus strand): 5'-ACAGGCGTGGGACTGCCCTCCTCCCATTTGCAGATGCCGTCGTAGAATCGCAGCAGGTGG[G>A]CGAAGCACTCAGGGTCCTGGAGGGCGGAACCTTGGCTCTGGGTGCCCTGGACGAGGGGGA-3'
Protein context (NP_001357188.2, residues 401-421): GSALQDPECF[Ala411Val]HLLRFYDGIC

ClinVar aggregate classification (germline): Conflicting classifications of pathogenicity. Review status: criteria provided, conflicting classifications (1 of 4 stars). 2 submissions from 2 submitters: Likely pathogenic (1); Uncertain significance (1). Last evaluated 2026-08-07.

Conditions:
Multiple endocrine neoplasia, type 1 (MEN1). Also called: MEA I; MEN I; WERMER SYNDROME; Endocrine adenomatosis multiple; MEN 1. Identifiers: Orphanet 652, MedGen C0025267, MeSH D018761, MONDO:0007540, OMIM 131100.
Hereditary cancer-predisposing syndrome. Also called: Hereditary Cancer Syndrome; Hereditary neoplastic syndrome; Neoplastic Syndromes, Hereditary; Tumor predisposition. Identifiers: Orphanet 140162, MedGen C0027672, MeSH D009386, MONDO:0015356.

Submissions (2):

Ambry Genetics
Classification: Uncertain significance for Hereditary cancer-predisposing syndrome. Last evaluated: 2026-08-07. Review status: criteria provided, single submitter. Criteria: Ambry Variant Classification Scheme 2023. Collection method: clinical testing. Allele origin: germline.
Comment: The p.A411V variant (also known as c.1232C>T), located in coding exon 8 of the MEN1 gene, results from a C to T substitution at nucleotide position 1232. The alanine at codon 411 is replaced by valine, an amino acid with similar properties. This amino acid position is conserved. In addition, this alteration is predicted to be deleterious by in silico analysis. Based on the available evidence, the clinical significance of this variant remains unclear.

Labcorp Genetics (formerly Invitae), Labcorp
Classification: Likely pathogenic for Multiple endocrine neoplasia, type 1. Last evaluated: 2024-01-07. Review status: criteria provided, single submitter. Criteria: Invitae Variant Classification Sherloc (09022015). Collection method: clinical testing. Allele origin: germline.
Comment: This sequence change replaces alanine, which is neutral and non-polar, with valine, which is neutral and non-polar, at codon 411 of the MEN1 protein (p.Ala411Val). This variant is not present in population databases (gnomAD no frequency). This variant has not been reported in the literature in individuals affected with MEN1-related conditions. Advanced modeling of protein sequence and biophysical properties (such as structural, functional, and spatial information, amino acid conservation, physicochemical variation, residue mobility, and thermodynamic stability) performed at Invitae indicates that this missense variant is expected to disrupt MEN1 protein function with a positive predictive value of 95%. This variant disrupts the p.Ala411 amino acid residue in MEN1. Other variant(s) that disrupt this residue have been determined to be pathogenic (PMID: 12699448, 21819486). This suggests that this residue is clinically significant, and that variants that disrupt this residue are likely to be disease-causing. In summary, the currently available evidence indicates that the variant is pathogenic, but additional data are needed to prove that conclusively. Therefore, this variant has been classified as Likely Pathogenic.

Literature cited by the submitters: PubMed 12699448 (cited by Labcorp Genetics (formerly Invitae), Labcorp); PubMed 21819486 (cited by Labcorp Genetics (formerly Invitae), Labcorp).